The following is an entry in ClinVar:

ClinVar aggregate classification (germline): Uncertain significance. Review status: criteria provided, multiple submitters, no conflicts (2 of 4 stars). 3 submissions from 3 submitters: Uncertain significance (3). Last evaluated 2024-03-29.

Conditions:
Immunodeficiency 35 (IMD35). Also called: TYK2 DEFICIENCY; Susceptibility to infection due to TYK2 deficiency; HIES WITH ATYPICAL MYCOBACTERIOSIS, AUTOSOMAL RECESSIVE; HYPER-IgE SYNDROME WITH ATYPICAL MYCOBACTERIOSIS, AUTOSOMAL RECESSIVE. Identifiers: Orphanet 331226, MedGen C1969086, MONDO:0012682, OMIM 611521.

Allele frequency attached by ClinVar (database versions not stated): gnomAD 0.00001; TOPMed 0.00001; ExAC 0.00002; gnomAD exomes 0.00003.
gnomAD v4.1: 43 of 1,613,300 alleles (0.0027%); highest among the groups gnomAD compares: East Asian, 0.0045%; no homozygotes.

Submissions (3):

Genomic Medicine Center of Excellence, King Faisal Specialist Hospital and Research Centre
Classification: Uncertain significance for Immunodeficiency 35. Last evaluated: 2024-03-29. Review status: criteria provided, single submitter. Criteria: ACMG Guidelines, 2015. Collection method: clinical testing. Allele origin: germline.

CeGaT Center for Human Genetics Tuebingen
Classification: Uncertain significance. Last evaluated: 2022-12-01. Review status: criteria provided, single submitter. Criteria: CeGaT Center For Human Genetics Tuebingen Variant Classification Criteria Version 2. Collection method: clinical testing. Allele origin: germline. Affected: yes. Observed: 1 variant allele.
Comment: TYK2: PM2:Supporting, BP4

Labcorp Genetics (formerly Invitae), Labcorp
Classification: Uncertain significance for Immunodeficiency 35. Last evaluated: 2022-03-31. Review status: criteria provided, single submitter. Criteria: Invitae Variant Classification Sherloc (09022015). Collection method: clinical testing. Allele origin: germline.
Comment: This sequence change replaces arginine, which is basic and polar, with tryptophan, which is neutral and slightly polar, at codon 868 of the TYK2 protein (p.Arg868Trp). This variant is present in population databases (rs762311335, gnomAD 0.005%). This variant has not been reported in the literature in individuals affected with TYK2-related conditions. ClinVar contains an entry for this variant (Variation ID: 851751). Algorithms developed to predict the effect of missense changes on protein structure and function are either unavailable or do not agree on the potential impact of this missense change (SIFT: "Not Available"; PolyPhen-2: "Possibly Damaging"; Align-GVGD: "Not Available"). In summary, the available evidence is currently insufficient to determine the role of this variant in disease. Therefore, it has been classified as a Variant of Uncertain Significance.

NM_003331.5(TYK2):c.2602C>T (p.Arg868Trp)

Gene: TYK2 (tyrosine kinase 2; minus strand). Cytogenetic location: 19p13.2.
Variant type: single nucleotide variant.
Coding change: c.2602C>T on transcript NM_003331.5 (MANE Select); coding-DNA position 2602, C replaced by T.
Protein change: p.Arg868Trp; replaces arginine 868 with tryptophan.
Molecular consequence: missense variant.
Genome position (GRCh38, 1-based): chr19:10,356,583, G>A on the plus strand (C>T on the coding strand, the complement: TYK2 is on the minus strand). VCF-style: chr19-10356583-G-A. GRCh37 (hg19) VCF-style: chr19-10467259-G-A.
Other names: short protein forms R868W.
Identifiers: ClinVar variation 851751 (VCV000851751.31), dbSNP rs762311335, ClinGen allele CA9193005.